The following is an entry in ClinVar:

ClinVar aggregate classification (germline): Likely benign. Review status: criteria provided, multiple submitters, no conflicts (2 of 4 stars). 3 submissions from 3 submitters: Likely benign (2). 1 of the submissions does not count toward it. Last evaluated 2025-12-17.

Conditions:
PKD2-related disorder. Also called: PKD2-related condition.
Autosomal dominant polycystic kidney disease. Identifiers: Orphanet 730, MedGen C0085413, MONDO:0004691.

Allele frequency attached by ClinVar (database versions not stated): ExAC 0.00004; gnomAD exomes 0.00004 and 0.00015; TOPMed 0.00007; ESP Exome Variant Server 0.00008; gnomAD 0.00009.
gnomAD v4.1: 222 of 1,567,430 alleles (0.014%); highest among the groups gnomAD compares: Non-Finnish European, 0.018%; no homozygotes.

Submissions (3):

Labcorp Genetics (formerly Invitae), Labcorp
Classification: Likely benign for Autosomal dominant polycystic kidney disease. Last evaluated: 2025-12-17. Review status: criteria provided, single submitter. Criteria: Invitae Variant Classification Sherloc (09022015). Collection method: clinical testing. Allele origin: germline.

Women's Health and Genetics/Laboratory Corporation of America, LabCorp
Classification: Likely benign. Last evaluated: 2024-04-28. Review status: criteria provided, single submitter. Criteria: LabCorp Variant Classification Summary - May 2015. Collection method: clinical testing. Allele origin: germline.

PreventionGenetics, part of Exact Sciences
Classification: Likely benign for PKD2-related condition. Last evaluated: 2019-03-26. Review status: no assertion criteria provided. Collection method: clinical testing. Allele origin: germline. Not counted in ClinVar's aggregate classification.
Comment: This variant is classified as likely benign based on ACMG/AMP sequence variant interpretation guidelines (Richards et al. 2015 PMID: 25741868, with internal and published modifications).

NM_000297.4(PKD2):c.1959T>C (p.Asn653=)

Gene: PKD2 (polycystin 2, transient receptor potential cation channel; plus strand). Cytogenetic location: 4q22.1.
Variant type: single nucleotide variant.
Coding change: c.1959T>C on transcript NM_000297.4 (MANE Select); coding-DNA position 1959, T replaced by C.
Protein change: p.Asn653=; no amino-acid change (asparagine 653 retained).
Molecular consequence: synonymous variant.
Genome position (GRCh38, 1-based): chr4:88,058,043, T>C. VCF-style: chr4-88058043-T-C. GRCh37 (hg19) VCF-style: chr4-88979195-T-C.
Other names: c.1959T>C (NM_000297.3).
Identifiers: ClinVar variation 1160688 (VCV001160688.12), dbSNP rs371979633, ClinGen allele CA3004093.